The following is an entry in ClinVar:

ClinVar aggregate classification (germline): Uncertain significance. Review status: criteria provided, multiple submitters, no conflicts (2 of 4 stars). 2 submissions from 2 submitters: Uncertain significance (2). Last evaluated 2026-08-27.

Conditions:
Inborn genetic diseases. Identifiers: MedGen C0950123, MeSH D030342.
Neutrophil immunodeficiency syndrome. Also called: Immunodeficiency 73A with defective neutrophil chemotaxis and leukocytosis. Identifiers: Orphanet 183707, MedGen C1842398, MONDO:0011988, OMIM 608203.

Allele frequency attached by ClinVar (database versions not stated): gnomAD 0.00001; 1000 Genomes Project 30x 0.00016; 1000 Genomes Project 0.00020; gnomAD exomes below 0.00001; TOPMed below 0.00001.

Submissions (2):

Ambry Genetics
Classification: Uncertain significance for Inborn genetic diseases. Last evaluated: 2026-08-27. Review status: criteria provided, single submitter. Criteria: Ambry Variant Classification Scheme 2023. Collection method: clinical testing. Allele origin: germline.
Comment: The c.511G>A (p.E171K) alteration is located in exon 6 (coding exon 6) of the RAC2 gene. This alteration results from a G to A substitution at nucleotide position 511, causing the glutamic acid (E) at amino acid position 171 to be replaced by a lysine (K). Based on data from gnomAD, the A allele has an overall frequency of <0.001% (1/250288) total alleles studied. The highest observed frequency was 0.001% (1/112982) of European (non-Finnish) alleles. Based on insufficient or conflicting evidence, the clinical significance of this alteration remains unclear.

Labcorp Genetics (formerly Invitae), Labcorp
Classification: Uncertain significance for Neutrophil immunodeficiency syndrome. Last evaluated: 2024-10-17. Review status: criteria provided, single submitter. Criteria: Invitae Variant Classification Sherloc (09022015). Collection method: clinical testing. Allele origin: germline.
Comment: This sequence change replaces glutamic acid, which is acidic and polar, with lysine, which is basic and polar, at codon 171 of the RAC2 protein (p.Glu171Lys). This variant is present in population databases (rs561547070, gnomAD 0.0009%). This variant has not been reported in the literature in individuals affected with RAC2-related conditions. ClinVar contains an entry for this variant (Variation ID: 1042756). An algorithm developed to predict the effect of missense changes on protein structure and function (PolyPhen-2) suggests that this variant is likely to be disruptive. In summary, the available evidence is currently insufficient to determine the role of this variant in disease. Therefore, it has been classified as a Variant of Uncertain Significance.

NM_002872.5(RAC2):c.511G>A (p.Glu171Lys)

Gene: RAC2 (Rac family small GTPase 2; minus strand). Cytogenetic location: 22q13.1.
Variant type: single nucleotide variant.
Coding change: c.511G>A on transcript NM_002872.5 (MANE Select); coding-DNA position 511, G replaced by A.
Protein change: p.Glu171Lys; replaces glutamic acid 171 with lysine.
Molecular consequence: missense variant.
Genome position (GRCh38, 1-based): chr22:37,226,741, C>T on the plus strand (G>A on the coding strand, the complement: RAC2 is on the minus strand). VCF-style: chr22-37226741-C-T. GRCh37 (hg19) VCF-style: chr22-37622781-C-T.
Other names: c.511G>A (NM_002872.3); short protein forms E171K.
Identifiers: ClinVar variation 1042756 (VCV001042756.10), dbSNP rs561547070, ClinGen allele CA324075575.
Genomic context (GRCh38, chr22:37,226,741, plus strand): 5'-GGCTGCAGGCGCGCTTCTGCTGCCGCGTGGGCTGAGGGCACAGCACGGCCCGGATGGCCT[C>T]GTCGAACACGGTTTTCAGGCCTCTCTGGGTGAGAGCTGAGCACTCCAGGTATTTCACCGA-3'
Protein context (NP_002863.1, residues 161-181): TQRGLKTVFD[Glu171Lys]AIRAVLCPQP